The following is an entry in ClinVar:

ClinVar aggregate classification (germline): Benign/Likely benign. Review status: criteria provided, multiple submitters, no conflicts (2 of 4 stars). 4 submissions from 4 submitters: Benign (3); Likely benign (1). Last evaluated 2026-05-11.

Conditions:
3M syndrome 2. Also called: THREE M SYNDROME 2; 3-M Syndrome, OBSL1-Related. Identifiers: Orphanet 2616, MedGen C2752041, MONDO:0013039, OMIM 612921.

Allele frequency attached by ClinVar (database versions not stated): gnomAD exomes 0.00189 and 0.00475; gnomAD 0.01955 and 0.01818; ESP Exome Variant Server 0.01828; TOPMed 0.02059; 1000 Genomes Project 30x 0.01733; ExAC 0.00574; 1000 Genomes Project 0.01538.
gnomAD v4.1: 5,617 of 1,611,204 alleles (0.35%); highest among the groups gnomAD compares: African/African-American, 6.1%; 145 homozygotes.

Submissions (4):

Women's Health and Genetics/Laboratory Corporation of America, LabCorp
Classification: Likely benign. Last evaluated: 2026-05-11. Review status: criteria provided, single submitter. Criteria: LabCorp Variant Classification Summary - May 2015. Collection method: clinical testing. Allele origin: germline.

Labcorp Genetics (formerly Invitae), Labcorp
Classification: Benign. Last evaluated: 2026-01-28. Review status: criteria provided, single submitter. Criteria: Invitae Variant Classification Sherloc (09022015). Collection method: clinical testing. Allele origin: germline.

Illumina Laboratory Services, Illumina
Classification: Benign for 3M syndrome 2. Last evaluated: 2018-01-13. Review status: criteria provided, single submitter. Criteria: ICSL Variant Classification Criteria 13 December 2019. Collection method: clinical testing. Allele origin: germline.
Comment: This variant was observed in the ICSL laboratory as part of a predisposition screen in an ostensibly healthy population. It had not been previously curated by ICSL or reported in the Human Gene Mutation Database (HGMD: prior to June 1st, 2018), and was therefore a candidate for classification through an automated scoring system. Utilizing variant allele frequency, disease prevalence and penetrance estimates, and inheritance mode, an automated score was calculated to assess if this variant is too frequent to cause the disease. Based on the score and internal cut-off values, a variant classified as benign is not then subjected to further curation. The score for this variant resulted in a classification of benign for this disease.

Breakthrough Genomics
Classification: Benign. Review status: criteria provided, single submitter. Criteria: ACMG Guidelines, 2015. Collection method: not provided. Allele origin: germline. Inheritance: Autosomal recessive inheritance. Affected: yes.

NM_015311.3(OBSL1):c.4117G>A (p.Glu1373Lys)

Gene: OBSL1 (obscurin like cytoskeletal adaptor 1; minus strand). Cytogenetic location: 2q35.
Variant type: single nucleotide variant.
Coding change: c.4117G>A on transcript NM_015311.3 (MANE Select); coding-DNA position 4117, G replaced by A.
Protein change: p.Glu1373Lys; replaces glutamic acid 1373 with lysine.
Molecular consequence: missense variant.
Genome position (GRCh38, 1-based): chr2:219,556,673, C>T on the plus strand (G>A on the coding strand, the complement: OBSL1 is on the minus strand). VCF-style: chr2-219556673-C-T. GRCh37 (hg19) VCF-style: chr2-220421395-C-T.
Other names: c.4117G>A, p.Glu1373Lys (NM_001173431.2); short protein forms E1373K.
Identifiers: ClinVar variation 334482 (VCV000334482.17), dbSNP rs140214067, ClinGen allele CA2130658.